The following is an entry in ClinVar:

ClinVar aggregate classification (germline): Conflicting classifications of pathogenicity. Review status: criteria provided, conflicting classifications (1 of 4 stars). 3 submissions from 3 submitters: Uncertain significance (2); Likely benign (1). Last evaluated 2023-11-27.

Conditions:
Hereditary spastic paraplegia 39 (SPG39). Also called: SPASTIC PARAPLEGIA 39, AUTOSOMAL RECESSIVE; Spastic Paraplegia Type 39 (SPG39). Identifiers: Orphanet 139480, MedGen C2677586, MONDO:0012787, OMIM 612020.
Inborn genetic diseases. Identifiers: MedGen C0950123, MeSH D030342.

Allele frequency attached by ClinVar (database versions not stated): gnomAD exomes 0.00008; ExAC 0.00011; ESP Exome Variant Server 0.00038; gnomAD 0.00047 and 0.00053; TOPMed 0.00054.
gnomAD v4.1: 122 of 1,612,072 alleles (0.0076%); highest among the groups gnomAD compares: African/African-American, 0.13%; no homozygotes.

Submissions (3):

Blueprint Genetics
Classification: Likely benign. Last evaluated: 2023-11-27. Review status: criteria provided, single submitter. Criteria: ACMG Guidelines, 2015. Collection method: clinical testing. Allele origin: germline.

Labcorp Genetics (formerly Invitae), Labcorp
Classification: Uncertain significance for Hereditary spastic paraplegia 39. Last evaluated: 2022-10-13. Review status: criteria provided, single submitter. Criteria: Invitae Variant Classification Sherloc (09022015). Collection method: clinical testing. Allele origin: germline.
Comment: This sequence change falls in intron 9 of the PNPLA6 gene. It does not directly change the encoded amino acid sequence of the PNPLA6 protein. It affects a nucleotide within the consensus splice site. This variant is present in population databases (rs375930477, gnomAD 0.1%). This variant has not been reported in the literature in individuals affected with PNPLA6-related conditions. ClinVar contains an entry for this variant (Variation ID: 638815). Variants that disrupt the consensus splice site are a relatively common cause of aberrant splicing (PMID: 17576681, 9536098). Algorithms developed to predict the effect of sequence changes on RNA splicing suggest that this variant is not likely to affect RNA splicing. In summary, the available evidence is currently insufficient to determine the role of this variant in disease. Therefore, it has been classified as a Variant of Uncertain Significance.

Ambry Genetics
Classification: Uncertain significance for Inborn genetic diseases. Last evaluated: 2022-02-23. Review status: criteria provided, single submitter. Criteria: Ambry Variant Classification Scheme 2023. Collection method: clinical testing. Allele origin: germline.
Comment: The c.678+3G>A intronic alteration consists of a G to A substitution nucleotides after coding exon 7 in the PNPLA6 gene. Based on insufficient or conflicting evidence, the clinical significance of this alteration remains unclear.

Literature cited by the submitters: PubMed 17576681 (cited by Labcorp Genetics (formerly Invitae), Labcorp); PubMed 9536098 (cited by Labcorp Genetics (formerly Invitae), Labcorp).

NM_001166114.2(PNPLA6):c.795+3G>A

Gene: PNPLA6 (patatin like domain 6, lysophospholipase; plus strand). Cytogenetic location: 19p13.2.
Variant type: single nucleotide variant.
Coding change: c.795+3G>A on transcript NM_001166114.2 (MANE Select); 3 bases into the intron after coding-DNA position 795, G replaced by A.
Molecular consequence: intron variant.
Genome position (GRCh38, 1-based): chr19:7,540,713, G>A. VCF-style: chr19-7540713-G-A. GRCh37 (hg19) VCF-style: chr19-7605599-G-A.
Other names: c.678+3G>A (NM_006702.5, NM_001166112.2, NM_001166113.1); c.822+3G>A (NM_001166111.2).
Identifiers: ClinVar variation 638815 (VCV000638815.7), dbSNP rs375930477, ClinGen allele CA9139556.